The following is an entry in ClinVar:

ClinVar aggregate classification (germline): Uncertain significance. Review status: criteria provided, multiple submitters, no conflicts (2 of 4 stars). 2 submissions from 2 submitters: Uncertain significance (2). Last evaluated 2025-01-08.

Allele frequency attached by ClinVar (database versions not stated): gnomAD 0.00003; ExAC 0.00006; gnomAD exomes 0.00006; TOPMed 0.00006; ESP Exome Variant Server 0.00019.
gnomAD v4.1: 70 of 1,209,478 alleles (0.0058%); highest among the groups gnomAD compares: Non-Finnish European, 0.0069%; no homozygotes.

Submissions (2):

Labcorp Genetics (formerly Invitae), Labcorp
Classification: Uncertain significance. Last evaluated: 2025-01-08. Review status: criteria provided, single submitter. Criteria: Invitae Variant Classification Sherloc (09022015). Collection method: clinical testing. Allele origin: germline.
Comment: This sequence change replaces isoleucine, which is neutral and non-polar, with valine, which is neutral and non-polar, at codon 539 of the SH3KBP1 protein (p.Ile539Val). This variant is present in population databases (rs374218492, gnomAD 0.01%). This variant has not been reported in the literature in individuals affected with SH3KBP1-related conditions. ClinVar contains an entry for this variant (Variation ID: 2179927). An algorithm developed to predict the effect of missense changes on protein structure and function (PolyPhen-2) suggests that this variant¬†is likely to be tolerated. In summary, the available evidence is currently insufficient to determine the role of this variant in disease. Therefore, it has been classified as a Variant of Uncertain Significance.

Ambry Genetics
Classification: Uncertain significance. Last evaluated: 2024-10-20. Review status: criteria provided, single submitter. Criteria: Ambry Variant Classification Scheme 2023. Collection method: clinical testing. Allele origin: germline.

NM_031892.3(SH3KBP1):c.1615A>G (p.Ile539Val)

Gene: SH3KBP1 (SH3 domain containing kinase binding protein 1; minus strand). Cytogenetic location: Xp22.12.
Variant type: single nucleotide variant.
Coding change: c.1615A>G on transcript NM_031892.3 (MANE Select); coding-DNA position 1615, A replaced by G.
Protein change: p.Ile539Val; replaces isoleucine 539 with valine.
Molecular consequence: missense variant. On other transcripts: intron variant (5).
Genome position (GRCh38, 1-based): chrX:19,545,930, T>C on the plus strand (A>G on the coding strand, the complement: SH3KBP1 is on the minus strand). VCF-style: chrX-19545930-T-C. GRCh37 (hg19) VCF-style: chrX-19564048-T-C.
Other names: c.1504A>G, p.Ile502Val (NM_001024666.3); c.901A>G, p.Ile301Val (NM_001184960.2); c.1690A>G, p.Ile564Val (NM_001353891.2); c.1513A>G, p.Ile505Val (NM_001353893.2); c.1747A>G, p.Ile583Val (NM_001410756.1); c.1495-3737A>G (NM_001353890.2); c.1570-3737A>G (NM_001353892.2); c.1393-3737A>G (NM_001353894.2); and 3 more; short protein forms I301V, I505V, I539V, I583V, I502V, I564V.
Identifiers: ClinVar variation 2179927 (VCV002179927.4), dbSNP rs374218492, ClinGen allele CA10364508.
Genomic context (GRCh38, chrX:19,545,930, plus strand): 5'-TTAGCACATGCATGAAATGACAGGGACACCCTCGCCATGGCTGGTGACTCACTTGGGATA[T>C]GGTAACAGTCTTGGAAGTTTTCTTTGACGCGTCCACTCCTCTGTGCGCAAGTGAAATGTG-3'
Protein context (NP_114098.1, residues 529-549): ASKKTSKTVT[Ile539Val]SQVSDNKASL